The following is an entry in ClinVar:

ClinVar aggregate classification (germline): Pathogenic/Likely pathogenic. Review status: criteria provided, multiple submitters, no conflicts (2 of 4 stars). 4 submissions from 4 submitters: Pathogenic (2); Likely pathogenic (2). Last evaluated 2025-03-31.

Conditions:
Ehlers-Danlos syndrome, type 4 (EDSVASC). Also called: Ehlers-Danlos syndrome vascular type; Ehlers Danlos syndrome, ecchymotic type; Ehlers Danlos syndrome, arterial type; Ehlers Danlos syndrome, Sack-Barabas type; Ehlers-Danlos Syndrome Type IV. Identifiers: Orphanet 286, MedGen C0268338, MONDO:0017314, OMIM 130050.
Familial thoracic aortic aneurysm and aortic dissection (TAAD). Also called: Thoracic aortic aneurysms and dissections. Identifiers: Orphanet 91387, MedGen C4707243, MONDO:0019625.

Submissions (4):

Labcorp Genetics (formerly Invitae), Labcorp
Classification: Pathogenic for Ehlers-Danlos syndrome, type 4. Last evaluated: 2025-03-31. Review status: criteria provided, single submitter. Criteria: Invitae Variant Classification Sherloc (09022015). Collection method: clinical testing. Allele origin: germline.
Comment: This sequence change creates a premature translational stop signal (p.Pro565Leufs*225) in the COL3A1 gene. It is expected to result in an absent or disrupted protein product. Loss-of-function variants in COL3A1 are known to be pathogenic (PMID: 24922459). This variant is not present in population databases (gnomAD no frequency). This variant has not been reported in the literature in individuals affected with COL3A1-related conditions. ClinVar contains an entry for this variant (Variation ID: 3236856). For these reasons, this variant has been classified as Pathogenic.

Color Diagnostics, LLC DBA Color Health
Classification: Pathogenic for Familial thoracic aortic aneurysm and aortic dissection. Last evaluated: 2025-01-21. Review status: criteria provided, single submitter. Criteria: ACMG Guidelines, 2015. Collection method: clinical testing. Allele origin: germline.
Comment: This variant deletes 4 nucleotides in exon 24 of the COL3A1 gene, creating a frameshift and premature translation stop signal. This variant is expected to result in an absent or non-functional protein product. To our knowledge, this variant has not been reported in individuals affected with COL3A1-related disorders in the literature. This variant has not been identified in the general population by the Genome Aggregation Database (gnomAD). Loss of COL3A1 function is a known mechanism of disease. Based on the available evidence, this variant is classified as Pathogenic.

All of Us Research Program, National Institutes of Health
Classification: Likely pathogenic for Ehlers-Danlos syndrome, type 4. Last evaluated: 2024-03-28. Review status: criteria provided, single submitter. Criteria: ACMG Guidelines, 2015. Collection method: clinical testing. Allele origin: germline. Inheritance: Autosomal dominant inheritance. Observed: 1 variant allele, 1 heterozygote.
Comment: The c.1694_1697del (p.Pro565Leufs*225) variant in COL3A1 gene, that encodes for collagen type III alpha 1 chain, creates a premature termination codon that is predicted to lead to absent or truncated protein product. This variant has not been reported in the literature for COL3A1-related conditions. Loss-of-function variants in COL3A1 gene are well known to be pathogenic and ClinGen score shows sufficient evidence of haploinsufficiency of this gene (PMID: 11577371, 24922459, 24650746). Loss-of-function variants downstream of this variant are reported to be pathogenic in the literature (PMID: 30474650, 31141158, 22019127, 29381997, 30474650) and in ClinVar (ClinVar ID:2418894, 1458343). This variant is absent in the general population database, gnomAD. Therefore, the c.1694_1697del (p.Pro565Leufs*225) variant in the COL3A1 gene is classified as likely pathogenic.

This study involves interpretation of variants in research participants for the purpose of population health screening. Participant phenotype was not available at the time of variant classification. Additional details can be found in publication PMID: 35346344, PMCID: PMC8962531

Human Genome Sequencing Center Clinical Lab, Baylor College of Medicine
Classification: Likely pathogenic for vascular Ehlers-Danlos syndrome. Last evaluated: 2023-11-02. Review status: criteria provided, single submitter. Criteria: ACMG Guidelines, 2015. Collection method: clinical testing. Allele origin: unknown.

Literature cited by the submitters: PubMed 24922459 (cited by Labcorp Genetics (formerly Invitae), Labcorp and All of Us Research Program, National Institutes of Health); PubMed 11577371 (cited by All of Us Research Program, National Institutes of Health); PubMed 22019127 (cited by All of Us Research Program, National Institutes of Health); PubMed 24650746 (cited by All of Us Research Program, National Institutes of Health); PubMed 29381997 (cited by All of Us Research Program, National Institutes of Health); PubMed 30474650 (cited by All of Us Research Program, National Institutes of Health); PubMed 31141158 (cited by All of Us Research Program, National Institutes of Health).

NM_000090.4(COL3A1):c.1694_1697del (p.Pro565fs)

Gene: COL3A1 (collagen type III alpha 1 chain; plus strand). Cytogenetic location: 2q32.2.
Variant type: Deletion.
Coding change: c.1694_1697del on transcript NM_000090.4 (MANE Select); coding-DNA positions 1694 to 1697, 4 bases deleted (CTCC; older notation c.1694_1697delCTCC).
Protein change: p.Pro565fs; shifts the reading frame from proline 565.
Molecular consequence: frameshift variant.
Genome position (GRCh38, 1-based): chr2:188,996,429-188,996,432, CTCC deleted; deleting any 4 consecutive bases within chr2:188,996,428-188,996,432 gives the same sequence; the c. name uses the placement nearest the transcript's 3' end. VCF-style (leftmost placement, unchanged base first): chr2-188996427-TCCTC-T. GRCh37 (hg19) VCF-style: chr2-189861153-TCCTC-T.
Other names: short protein forms P565fs.
Identifiers: ClinVar variation 3236856 (VCV003236856.4), dbSNP rs2469135354.